The following is an entry in ClinVar:

NM_030962.4(SBF2):c.5495G>A (p.Gly1832Glu)

Genes: SBF2 (SET binding factor 2; minus strand), SBF2-AS1 (SBF2 antisense RNA 1; plus strand). Cytogenetic location: 11p15.4.
Variant type: single nucleotide variant.
Coding change: c.5495G>A on transcript NM_030962.4 (MANE Select); coding-DNA position 5495, G replaced by A.
Protein change: p.Gly1832Glu; replaces glycine 1832 with glutamic acid.
Molecular consequence: missense variant.
Genome position (GRCh38, 1-based): chr11:9,780,473, C>T on the plus strand (G>A on the coding strand, the complement: SBF2 is on the minus strand). VCF-style: chr11-9780473-C-T. GRCh37 (hg19) VCF-style: chr11-9802020-C-T.
Other names: c.5591G>A, p.Gly1864Glu (NM_001386339.1); c.5366G>A, p.Gly1789Glu (NM_001386342.1); short protein forms G1789E, G1832E, G1864E.
Identifiers: ClinVar variation 1747872 (VCV001747872.2), dbSNP rs753527830, ClinGen allele CA5880684.
Genomic context (GRCh38, chr11:9,780,473, plus strand): 5'-GGGCATCAGGCATCAGAGATACAACTCTGGATCTTGTCCATCCATTGCTGGGCACTCTGT[C>T]CATCCTGGGCGCAGAAGTTATACACACGTTTGCTGGTCTTGAGCTACAAAACCAAATGAC-3'
Protein context (NP_112224.1, residues 1822-1842): KRVYNFCAQD[Gly1832Glu]QSAQQWMDKI

ClinVar aggregate classification (germline): Uncertain significance (1 of 4 stars; one submission).

Conditions:
Inborn genetic diseases. Identifiers: MedGen C0950123, MeSH D030342.

Allele frequency attached by ClinVar (database versions not stated): TOPMed below 0.00001; gnomAD 0.00001.
gnomAD v4.1: 1 of 1,613,990 alleles (0.000062%); highest among the groups gnomAD compares: African/African-American, 0.0013%; no homozygotes.

Submission:

Ambry Genetics
Classification: Uncertain significance for Inborn genetic diseases. Last evaluated: 2019-12-26. Review status: criteria provided, single submitter. Criteria: Ambry Variant Classification Scheme 2023. Collection method: clinical testing. Allele origin: germline.
Comment: The p.G1832E variant (also known as c.5495G>A), located in coding exon 40 of the SBF2 gene, results from a G to A substitution at nucleotide position 5495. The glycine at codon 1832 is replaced by glutamic acid, an amino acid with similar properties. This amino acid position is not well conserved in available vertebrate species. In addition, this alteration is predicted to be tolerated by in silico analysis. Since supporting evidence is limited at this time, the clinical significance of this alteration remains unclear.